The following is an entry in ClinVar:

ClinVar aggregate classification (germline): Conflicting classifications of pathogenicity. Review status: criteria provided, conflicting classifications (1 of 4 stars). 2 submissions from 2 submitters: Uncertain significance (1); Likely benign (1). Last evaluated 2024-11-17.

Conditions:
Inborn genetic diseases. Identifiers: MedGen C0950123, MeSH D030342.

Allele frequency attached by ClinVar (database versions not stated): ExAC 0.00001; gnomAD exomes 0.00003 and 0.00004; gnomAD 0.00005; TOPMed 0.00005.
gnomAD v4.1: 53 of 1,185,645 alleles (0.0045%); highest among the groups gnomAD compares: Non-Finnish European, 0.0058%; no homozygotes.

Submissions (2):

Labcorp Genetics (formerly Invitae), Labcorp
Classification: Uncertain significance. Last evaluated: 2024-11-17. Review status: criteria provided, single submitter. Criteria: Invitae Variant Classification Sherloc (09022015). Collection method: clinical testing. Allele origin: germline.
Comment: This sequence change replaces glycine, which is neutral and non-polar, with serine, which is neutral and polar, at codon 1262 of the POLA1 protein (p.Gly1262Ser). This variant is present in population databases (rs778454003, gnomAD 0.01%), including at least one homozygous and/or hemizygous individual. This variant has not been reported in the literature in individuals affected with POLA1-related conditions. ClinVar contains an entry for this variant (Variation ID: 1504846). Invitae Evidence Modeling of protein sequence and biophysical properties (such as structural, functional, and spatial information, amino acid conservation, physicochemical variation, residue mobility, and thermodynamic stability) indicates that this missense variant is not expected to disrupt POLA1 protein function with a negative predictive value of 80%. In summary, the available evidence is currently insufficient to determine the role of this variant in disease. Therefore, it has been classified as a Variant of Uncertain Significance.

Ambry Genetics
Classification: Likely benign for Inborn genetic diseases. Last evaluated: 2024-11-09. Review status: criteria provided, single submitter. Criteria: Ambry Variant Classification Scheme 2023. Collection method: clinical testing. Allele origin: germline.

NM_001330360.2(POLA1):c.3802G>A (p.Gly1268Ser)

Gene: POLA1 (DNA polymerase alpha 1, catalytic subunit; plus strand). Cytogenetic location: Xp22.11.
Variant type: single nucleotide variant.
Coding change: c.3802G>A on transcript NM_001330360.2 (MANE Select); coding-DNA position 3802, G replaced by A.
Protein change: p.Gly1268Ser; replaces glycine 1268 with serine.
Molecular consequence: missense variant. On other transcripts: non-coding transcript variant (2).
Genome position (GRCh38, 1-based): chrX:24,841,717, G>A. VCF-style: chrX-24841717-G-A. GRCh37 (hg19) VCF-style: chrX-24859834-G-A.
Other names: c.3727G>A, p.Gly1243Ser (NM_001378303.1); c.3784G>A, p.Gly1262Ser (NM_016937.4); c.3784G>A (NM_016937.3); short protein forms G1262S, G1243S, G1268S.
Identifiers: ClinVar variation 1504846 (VCV001504846.8), dbSNP rs778454003, ClinGen allele CA10373617.
Genomic context (GRCh38, chrX:24,841,717, plus strand): 5'-GACCCCACCCAATTTAGAGTTCATCATTATCATAAAGATGAAGAGAATGATGCTCTACTT[G>A]GTGGCCCAGCACAGCTCACTGATGAAGAGAAATACAGGGACTGTGAAAGATTCAAATGTC-3'
Protein context (NP_001317289.1, residues 1258-1278): HKDEENDALL[Gly1268Ser]GPAQLTDEEK